The following is an entry in ClinVar:

NM_017654.4(SAMD9):c.532G>T (p.Asp178Tyr)

Gene: SAMD9 (sterile alpha motif domain containing 9; minus strand). Cytogenetic location: 7q21.2.
Variant type: single nucleotide variant.
Coding change: c.532G>T on transcript NM_017654.4 (MANE Select); coding-DNA position 532, G replaced by T.
Protein change: p.Asp178Tyr; replaces aspartic acid 178 with tyrosine.
Molecular consequence: missense variant.
Genome position (GRCh38, 1-based): chr7:93,105,566, C>A on the plus strand (G>T on the coding strand, the complement: SAMD9 is on the minus strand). VCF-style: chr7-93105566-C-A. GRCh37 (hg19) VCF-style: chr7-92734879-C-A.
Other names: c.532G>T, p.Asp178Tyr (NM_001193307.2); short protein forms D178Y.
Identifiers: ClinVar variation 4629957 (VCV004629957.1).

ClinVar aggregate classification (germline): Uncertain significance (1 of 4 stars; one submission).

Conditions:
Inborn genetic diseases. Identifiers: MedGen C0950123, MeSH D030342.

Submission:

Ambry Genetics
Classification: Uncertain significance for Inborn genetic diseases. Last evaluated: 2025-11-22. Review status: criteria provided, single submitter. Criteria: Ambry Variant Classification Scheme 2023. Collection method: clinical testing. Allele origin: germline.
Comment: The p.D178Y variant (also known as c.532G>T), located in coding exon 1 of the SAMD9 gene, results from a G to T substitution at nucleotide position 532. The aspartic acid at codon 178 is replaced by tyrosine, an amino acid with highly dissimilar properties. This amino acid position is conserved. In addition, this alteration is predicted to be tolerated by in silico analysis. Based on the available evidence, the clinical significance of this variant remains unclear.